The following is an entry in ClinVar:

ClinVar aggregate classification (germline): Likely benign. Review status: criteria provided, multiple submitters, no conflicts (2 of 4 stars). 3 submissions from 3 submitters: Likely benign (3). Last evaluated 2025-12-13.

Allele frequency attached by ClinVar (database versions not stated): 1000 Genomes Project 0.00020; 1000 Genomes Project 30x 0.00031; ExAC 0.00034; ESP Exome Variant Server 0.00038; gnomAD 0.00043; TOPMed 0.00043; gnomAD exomes 0.00072.
gnomAD v4.1: 1,125 of 1,613,274 alleles (0.07%); highest among the groups gnomAD compares: Non-Finnish European, 0.087%; no homozygotes.

Submissions (5):

Labcorp Genetics (formerly Invitae), Labcorp
Classification: Likely benign. Last evaluated: 2025-12-13. Review status: criteria provided, single submitter. Criteria: Invitae Variant Classification Sherloc (09022015). Collection method: clinical testing. Allele origin: germline.

Blueprint Genetics
Classification: Likely benign. Last evaluated: 2024-11-19. Review status: criteria provided, single submitter. Criteria: ACMG Guidelines, 2015. Collection method: clinical testing. Allele origin: germline.

CeGaT Center for Human Genetics Tuebingen
Classification: Likely benign. Last evaluated: 2022-11-01. Review status: criteria provided, single submitter. Criteria: CeGaT Center For Human Genetics Tuebingen Variant Classification Criteria Version 2. Collection method: clinical testing. Allele origin: germline. Affected: yes. Observed: 2 variant alleles.
Comment: MAD2L2: BP4, BP7

Dr. Peter K. Rogan Lab, Western University
No classification provided (evidence only). Condition: Malignant tumor of urinary bladder. Review status: no classification provided. Collection method: in vitro. Allele origin: not applicable. Functional consequence: skipped exon, retained intron. Not counted in ClinVar's aggregate classification.

Dr. Peter K. Rogan Lab, Western University
No classification provided (evidence only). Condition: Malignant tumor of urinary bladder. Review status: no classification provided. Collection method: in vitro. Allele origin: not applicable. Functional consequence: retained intron. Not counted in ClinVar's aggregate classification.

NM_006341.4(MAD2L2):c.174G>A (p.Pro58=)

Gene: MAD2L2 (mitotic arrest deficient 2 like 2; minus strand). Cytogenetic location: 1p36.22.
Variant type: single nucleotide variant.
Coding change: c.174G>A on transcript NM_006341.4 (MANE Select); coding-DNA position 174, G replaced by A.
Protein change: p.Pro58=; no amino-acid change (proline 58 retained).
Molecular consequence: synonymous variant.
Genome position (GRCh38, 1-based): chr1:11,677,600, C>T on the plus strand (G>A on the coding strand, the complement: MAD2L2 is on the minus strand). VCF-style: chr1-11677600-C-T. GRCh37 (hg19) VCF-style: chr1-11737657-C-T.
Other names: c.174G>A, p.Pro58= (NM_001127325.2).
Identifiers: ClinVar variation 2161132 (VCV002161132.30), dbSNP rs140482494, ClinGen allele CA593864.
Genomic context (GRCh38, chr1:11,677,600, plus strand): 5'-CACCTTCTCCAGGAGTGGCTTGACGCAGTGCAGCGTGTCCTGGATATACTGATTCAGCTC[C>T]GGGTGGCAGGACATCTGCACACAATACCATGCGGCTCGTGAGGCCCAAAGCACAGATGGG-3'
Protein context (NP_006332.3, residues 48-68): YNVPVQMSCH[Pro58=]ELNQYIQDTL